The following is an entry in ClinVar:

NM_001083961.2(WDR62):c.1787T>A (p.Met596Lys)

Gene: WDR62 (WD repeat domain 62; plus strand). Cytogenetic location: 19q13.12.
Variant type: single nucleotide variant.
Coding change: c.1787T>A on transcript NM_001083961.2 (MANE Select); coding-DNA position 1787, T replaced by A.
Protein change: p.Met596Lys; replaces methionine 596 with lysine.
Molecular consequence: missense variant.
Genome position (GRCh38, 1-based): chr19:36,089,056, T>A. VCF-style: chr19-36089056-T-A. GRCh37 (hg19) VCF-style: chr19-36579958-T-A.
Other names: c.1772T>A, p.Met591Lys (NM_001411145.1); c.1787T>A, p.Met596Lys (NM_001411146.1, NM_173636.5); c.1436T>A, p.Met479Lys (NM_001411147.1); short protein forms M591K, M596K, M479K.
Identifiers: ClinVar variation 3469547 (VCV003469547.1).
Genomic context (GRCh38, chr19:36,089,056, plus strand): 5'-GTGGCCCAGCCCTGCCTAACACACAGCGTCCTCCTCCCCTAGGCAACAGAGACATCCAGA[T>A]GATCAGCTGTGGGGCTGACAAGAGCATCTACTTTCGCAGTGCCCAGCAGGTAGGGTGGCA-3'
Protein context (NP_001077430.1, residues 586-606): IKFAGNRDIQ[Met596Lys]ISCGADKSIY

ClinVar aggregate classification (germline): Uncertain significance (1 of 4 stars; one submission).

Conditions:
Inborn genetic diseases. Identifiers: MedGen C0950123, MeSH D030342.

gnomAD v4.1: 1 of 1,614,074 alleles (0.000062%); highest among the groups gnomAD compares: Non-Finnish European, 0.000085%; no homozygotes.

Submission:

Ambry Genetics
Classification: Uncertain significance for Inborn genetic diseases. Last evaluated: 2024-10-30. Review status: criteria provided, single submitter. Criteria: Ambry Variant Classification Scheme 2023. Collection method: clinical testing. Allele origin: germline.
Comment: The c.1787T>A (p.M596K) alteration is located in exon 14 (coding exon 14) of the WDR62 gene. This alteration results from a T to A substitution at nucleotide position 1787, causing the methionine (M) at amino acid position 596 to be replaced by a lysine (K). This variant was not reported in population-based cohorts in the Genome Aggregation Database (gnomAD). This amino acid position is highly conserved in available vertebrate species. This alteration is predicted to be deleterious by in silico analysis. Based on insufficient or conflicting evidence, the clinical significance of this alteration remains unclear.